The following is an entry in ClinVar:

ClinVar aggregate classification (germline): Uncertain significance. Review status: criteria provided, multiple submitters, no conflicts (2 of 4 stars). 2 submissions from 2 submitters: Uncertain significance (2). Last evaluated 2024-03-07.

Allele frequency attached by ClinVar (database versions not stated): TOPMed 0.00002; gnomAD 0.00003; ExAC 0.00006; ESP Exome Variant Server 0.00008.
gnomAD v4.1: 45 of 1,613,734 alleles (0.0028%); highest among the groups gnomAD compares: East Asian, 0.036%; 1 homozygote.

Submissions (2):

Labcorp Genetics (formerly Invitae), Labcorp
Classification: Uncertain significance. Last evaluated: 2024-03-07. Review status: criteria provided, single submitter. Criteria: Invitae Variant Classification Sherloc (09022015). Collection method: clinical testing. Allele origin: germline.
Comment: This sequence change replaces arginine, which is basic and polar, with cysteine, which is neutral and slightly polar, at codon 391 of the PLTP protein (p.Arg391Cys). This variant is present in population databases (rs368810601, gnomAD 0.07%), and has an allele count higher than expected for a pathogenic variant. This variant has not been reported in the literature in individuals affected with PLTP-related conditions. ClinVar contains an entry for this variant (Variation ID: 2542546). An algorithm developed to predict the effect of missense changes on protein structure and function (PolyPhen-2) suggests that this variant is likely to be disruptive. In summary, the available evidence is currently insufficient to determine the role of this variant in disease. Therefore, it has been classified as a Variant of Uncertain Significance.

Ambry Genetics
Classification: Uncertain significance. Last evaluated: 2023-05-03. Review status: criteria provided, single submitter. Criteria: Ambry Variant Classification Scheme 2023. Collection method: clinical testing. Allele origin: germline.

NM_006227.4(PLTP):c.1171C>T (p.Arg391Cys)

Gene: PLTP (phospholipid transfer protein; minus strand). Cytogenetic location: 20q13.12.
Variant type: single nucleotide variant.
Coding change: c.1171C>T on transcript NM_006227.4 (MANE Select); coding-DNA position 1171, C replaced by T.
Protein change: p.Arg391Cys; replaces arginine 391 with cysteine.
Molecular consequence: missense variant.
Genome position (GRCh38, 1-based): chr20:45,902,271, G>A on the plus strand (C>T on the coding strand, the complement: PLTP is on the minus strand). VCF-style: chr20-45902271-G-A. GRCh37 (hg19) VCF-style: chr20-44530910-G-A.
Other names: c.886C>T, p.Arg296Cys (NM_001242920.2); c.907C>T, p.Arg303Cys (NM_001242921.1); c.1015C>T, p.Arg339Cys (NM_182676.3); short protein forms R296C, R303C, R339C, R391C.
Identifiers: ClinVar variation 2542546 (VCV002542546.4), dbSNP rs368810601, ClinGen allele CA9883589.